The following is an entry in ClinVar:

ClinVar aggregate classification (germline): Likely pathogenic (1 of 4 stars; one submission).

Conditions:
Baller-Gerold syndrome (BGS). Also called: CRANIOSYNOSTOSIS WITH RADIAL DEFECTS. Identifiers: Orphanet 1225, MedGen C0265308, MONDO:0009039, OMIM 218600.

Allele frequency attached by ClinVar (database versions not stated): gnomAD exomes below 0.00001.

Submission:

Labcorp Genetics (formerly Invitae), Labcorp
Classification: Likely pathogenic for Baller-Gerold syndrome. Last evaluated: 2025-06-24. Review status: criteria provided, single submitter. Criteria: Invitae Variant Classification Sherloc (09022015). Collection method: clinical testing. Allele origin: germline.
Comment: This sequence change affects an acceptor splice site in intron 10 of the RECQL4 gene. It is expected to disrupt RNA splicing. Variants that disrupt the donor or acceptor splice site typically lead to a loss of protein function (PMID: 16199547), and loss-of-function variants in RECQL4 are known to be pathogenic (PMID: 12734318, 12952869). This variant is not present in population databases (gnomAD no frequency). This variant has not been reported in the literature in individuals affected with RECQL4-related conditions. ClinVar contains an entry for this variant (Variation ID: 2182676). Algorithms developed to predict the effect of sequence changes on RNA splicing suggest that this variant may disrupt the consensus splice site. In summary, the currently available evidence indicates that the variant is pathogenic, but additional data are needed to prove that conclusively. Therefore, this variant has been classified as Likely Pathogenic.

Literature cited by the submitters: PubMed 16199547; PubMed 12734318; PubMed 12952869.

NM_004260.4(RECQL4):c.1705-1del

Gene: RECQL4 (RecQ like helicase 4; minus strand). Cytogenetic location: 8q24.3.
Variant type: Deletion.
Coding change: c.1705-1del on transcript NM_004260.4 (MANE Select); the canonical splice acceptor site of the intron before coding-DNA position 1705, one base deleted (G; older notation c.1705-1delG).
Molecular consequence: splice acceptor variant. On other transcripts: intron variant (3).
Genome position (GRCh38, 1-based): chr8:144,514,363, C deleted on the plus strand (G on the coding strand, the reverse complement: RECQL4 is on the minus strand). VCF-style (leftmost placement, unchanged base first): chr8-144514362-TC-T. GRCh37 (hg19) VCF-style: chr8-145739746-TC-T.
Other names: c.1576-1del (NM_001413025.1); c.1354-1del (NM_001413029.1); c.568-1del (NM_001413032.1, NM_001413027.1, NM_001413030.1 and 1 more transcripts); c.634-1del (NM_001413035.1, NM_001413040.1, NM_001413021.1 and 6 more transcripts); c.1609-1del (NM_001413017.1, NM_001413020.1); c.1675-1del (NM_001413039.1); c.1704+79del (NM_001413033.1); c.1705-1del (NM_001413018.1, NM_001413036.1, NM_001413019.1); and 4 more.
Identifiers: ClinVar variation 2182676 (VCV002182676.4), dbSNP rs1827842344, ClinGen allele CA1826367521.